The following is an entry in ClinVar:

NM_001126128.2(PROK2):c.7A>G (p.Ser3Gly)

Gene: PROK2 (prokineticin 2; minus strand). Cytogenetic location: 3p13.
Variant type: single nucleotide variant.
Coding change: c.7A>G on transcript NM_001126128.2 (MANE Select); coding-DNA position 7, A replaced by G.
Protein change: p.Ser3Gly; replaces serine 3 with glycine.
Molecular consequence: missense variant.
Genome position (GRCh38, 1-based): chr3:71,785,046, T>C on the plus strand (A>G on the coding strand, the complement: PROK2 is on the minus strand). VCF-style: chr3-71785046-T-C. GRCh37 (hg19) VCF-style: chr3-71834197-T-C.
Other names: c.7A>G, p.Ser3Gly (NM_021935.4); short protein forms S3G.
Identifiers: ClinVar variation 1967266 (VCV001967266.5), dbSNP rs2050202850, ClinGen allele CA353501407.

ClinVar aggregate classification (germline): Uncertain significance (1 of 4 stars; one submission).

Allele frequency attached by ClinVar (database versions not stated): gnomAD exomes below 0.00001; TOPMed below 0.00001.
gnomAD v4.1: 2 of 1,239,352 alleles (0.00016%); highest among the groups gnomAD compares: Non-Finnish European, 0.0002%; no homozygotes.

Submission:

Labcorp Genetics (formerly Invitae), Labcorp
Classification: Uncertain significance. Last evaluated: 2024-05-29. Review status: criteria provided, single submitter. Criteria: Invitae Variant Classification Sherloc (09022015). Collection method: clinical testing. Allele origin: germline.
Comment: This sequence change replaces serine, which is neutral and polar, with glycine, which is neutral and non-polar, at codon 3 of the PROK2 protein (p.Ser3Gly). This variant is not present in population databases (gnomAD no frequency). This variant has not been reported in the literature in individuals affected with PROK2-related conditions. ClinVar contains an entry for this variant (Variation ID: 1967266). Algorithms developed to predict the effect of missense changes on protein structure and function output the following: SIFT: "Not Available"; PolyPhen-2: "Possibly Damaging"; Align-GVGD: "Not Available". The glycine amino acid residue is found in multiple mammalian species, which suggests that this missense change does not adversely affect protein function. In summary, the available evidence is currently insufficient to determine the role of this variant in disease. Therefore, it has been classified as a Variant of Uncertain Significance.